The following is an entry in ClinVar:

NM_013450.4(BAZ2B):c.2681T>C (p.Ile894Thr)

Gene: BAZ2B (bromodomain adjacent to zinc finger domain 2B; minus strand). Cytogenetic location: 2q24.2.
Variant type: single nucleotide variant.
Coding change: c.2681T>C on transcript NM_013450.4 (MANE Select); coding-DNA position 2681, T replaced by C.
Protein change: p.Ile894Thr; replaces isoleucine 894 with threonine.
Molecular consequence: missense variant.
Genome position (GRCh38, 1-based): chr2:159,405,111, A>G on the plus strand (T>C on the coding strand, the complement: BAZ2B is on the minus strand). VCF-style: chr2-159405111-A-G. GRCh37 (hg19) VCF-style: chr2-160261622-A-G.
Other names: c.2573T>C, p.Ile858Thr (NM_001289975.1); c.2492T>C, p.Ile831Thr (NM_001329857.2); c.2579T>C, p.Ile860Thr (NM_001329858.2); short protein forms I860T, I858T, I831T, I894T.
Identifiers: ClinVar variation 4713701 (VCV004713701.1).

ClinVar aggregate classification (germline): Uncertain significance (1 of 4 stars; one submission).

Submission:

Labcorp Genetics (formerly Invitae), Labcorp
Classification: Uncertain significance. Last evaluated: 2025-02-23. Review status: criteria provided, single submitter. Criteria: Invitae Variant Classification Sherloc (09022015). Collection method: clinical testing. Allele origin: germline.
Comment: This sequence change replaces isoleucine, which is neutral and non-polar, with threonine, which is neutral and polar, at codon 858 of the BAZ2B protein (p.Ile858Thr). This variant is not present in population databases (gnomAD no frequency). This variant has not been reported in the literature in individuals affected with BAZ2B-related conditions. An algorithm developed to predict the effect of missense changes on protein structure and function (PolyPhen-2) suggests that this variant is likely to be disruptive. In summary, the available evidence is currently insufficient to determine the role of this variant in disease. Therefore, it has been classified as a Variant of Uncertain Significance.